The following is an entry in ClinVar:

ClinVar aggregate classification (germline): Uncertain significance. Review status: criteria provided, multiple submitters, no conflicts (2 of 4 stars). 3 submissions from 3 submitters: Uncertain significance (3). Last evaluated 2023-08-12.

Conditions:
Familial thoracic aortic aneurysm and aortic dissection (TAAD). Also called: Thoracic aortic aneurysms and dissections. Identifiers: Orphanet 91387, MedGen C4707243, MONDO:0019625.

Submissions (3):

Women's Health and Genetics/Laboratory Corporation of America, LabCorp
Classification: Uncertain significance. Last evaluated: 2023-08-12. Review status: criteria provided, single submitter. Criteria: LabCorp Variant Classification Summary - May 2015. Collection method: clinical testing. Allele origin: germline.

Ambry Genetics
Classification: Uncertain significance for Familial thoracic aortic aneurysm and aortic dissection. Last evaluated: 2021-02-16. Review status: criteria provided, single submitter. Criteria: Ambry Variant Classification Scheme 2023. Collection method: clinical testing. Allele origin: germline.
Comment: The p.K489E variant (also known as c.1465A>G), located in coding exon 9 of the TGFBR1 gene, results from an A to G substitution at nucleotide position 1465. The lysine at codon 489 is replaced by glutamic acid, an amino acid with similar properties. This amino acid position is highly conserved in available vertebrate species. In addition, this alteration is predicted to be deleterious by in silico analysis. Since supporting evidence is limited at this time, the clinical significance of this alteration remains unclear.

Labcorp Genetics (formerly Invitae), Labcorp
Classification: Uncertain significance for Familial thoracic aortic aneurysm and aortic dissection. Last evaluated: 2018-04-27. Review status: criteria provided, single submitter. Criteria: Invitae Variant Classification Sherloc (09022015). Collection method: clinical testing. Allele origin: germline.
Comment: This sequence change replaces lysine with glutamic acid at codon 489 of the TGFBR1 protein (p.Lys489Glu). The lysine residue is highly conserved and there is a small physicochemical difference between lysine and glutamic acid. This variant is not present in population databases (ExAC no frequency). This variant has not been reported in the literature in individuals with TGFBR1-related disease. Algorithms developed to predict the effect of missense changes on protein structure and function do not agree on the potential impact of this missense change (SIFT: "Deleterious"; PolyPhen-2: "Probably Damaging"; Align-GVGD: "Class C15"). In summary, the available evidence is currently insufficient to determine the role of this variant in disease. Therefore, it has been classified as a Variant of Uncertain Significance.

NM_004612.4(TGFBR1):c.1465A>G (p.Lys489Glu)

Gene: TGFBR1 (transforming growth factor beta receptor 1; plus strand). Cytogenetic location: 9q22.33.
Variant type: single nucleotide variant.
Coding change: c.1465A>G on transcript NM_004612.4 (MANE Select); coding-DNA position 1465, A replaced by G.
Protein change: p.Lys489Glu; replaces lysine 489 with glutamic acid.
Molecular consequence: missense variant.
Genome position (GRCh38, 1-based): chr9:99,149,258, A>G. VCF-style: chr9-99149258-A-G. GRCh37 (hg19) VCF-style: chr9-101911540-A-G.
Other names: c.1234A>G, p.Lys412Glu (NM_001130916.3); c.1477A>G, p.Lys493Glu (NM_001306210.2); c.1465A>G (NM_004612.3); short protein forms K489E, K412E, K493E.
Identifiers: ClinVar variation 543901 (VCV000543901.12), dbSNP rs1554702748, ClinGen allele CA374233733.